The following is an entry in ClinVar:

ClinVar aggregate classification (germline): Pathogenic (1 of 4 stars; one submission).

Allele frequency attached by ClinVar (database versions not stated): TOPMed below 0.00001.

Submission:

Labcorp Genetics (formerly Invitae), Labcorp
Classification: Pathogenic. Last evaluated: 2019-08-11. Review status: criteria provided, single submitter. Criteria: Invitae Variant Classification Sherloc (09022015). Collection method: clinical testing. Allele origin: germline.
Comment: Loss-of-function variants in RARS2 are known to be pathogenic (PMID: 17847012, 22569581, 26083569). For these reasons, this variant has been classified as Pathogenic. This sequence change creates a premature translational stop signal (p.Ser270*) in the RARS2 gene. It is expected to result in an absent or disrupted protein product. This variant is not present in population databases (ExAC no frequency). This variant has not been reported in the literature in individuals with RARS2-related conditions.

Literature cited by the submitters: PubMed 17847012; PubMed 22569581; PubMed 26083569.

NM_020320.5(RARS2):c.809C>A (p.Ser270Ter)

Gene: RARS2 (arginyl-tRNA synthetase 2, mitochondrial; minus strand). Cytogenetic location: 6q15.
Variant type: single nucleotide variant.
Coding change: c.809C>A on transcript NM_020320.5 (MANE Select); coding-DNA position 809, C replaced by A.
Protein change: p.Ser270Ter; replaces serine 270 with a stop codon.
Molecular consequence: nonsense. On other transcripts: non-coding transcript variant (23).
Genome position (GRCh38, 1-based): chr6:87,529,611, G>T on the plus strand (C>A on the coding strand, the complement: RARS2 is on the minus strand). VCF-style: chr6-87529611-G-T. GRCh37 (hg19) VCF-style: chr6-88239329-G-T.
Other names: c.284C>A, p.Ser95Ter (NM_001318785.2, NM_001350506.2, NM_001350507.2 and 4 more transcripts); c.809C>A, p.Ser270Ter (NM_001350505.2); short protein forms S270*, S95*.
Identifiers: ClinVar variation 952827 (VCV000952827.7), dbSNP rs1776810581, ClinGen allele CA364928782.
Genomic context (GRCh38, chr6:87,529,611, plus strand): 5'-AGTAGGAGTCCTTTACTCTCCAGCAACTTTAAGACCTCTTGAGATTTTTCACGATAAAAT[G>T]ATTCTCCTGAATATTCATCAAAATATACTCCCAGACGCTAAAAGAGTTCAGAAACAAAAA-3'